The following is an entry in ClinVar:

NM_015072.5(TTLL5):c.9C>T (p.Ile3=)

Gene: TTLL5 (tubulin tyrosine ligase like 5; plus strand). Cytogenetic location: 14q24.3.
Variant type: single nucleotide variant.
Coding change: c.9C>T on transcript NM_015072.5 (MANE Select); coding-DNA position 9, C replaced by T.
Protein change: p.Ile3=; no amino-acid change (isoleucine 3 retained).
Molecular consequence: synonymous variant.
Genome position (GRCh38, 1-based): chr14:75,663,158, C>T. VCF-style: chr14-75663158-C-T. GRCh37 (hg19) VCF-style: chr14-76129501-C-T.
Other names: c.9C>T (NM_015072.4).
Identifiers: ClinVar variation 1569948 (VCV001569948.12), dbSNP rs755802095, ClinGen allele CA7278770.

ClinVar aggregate classification (germline): Likely benign. Review status: criteria provided, multiple submitters, no conflicts (2 of 4 stars). 3 submissions from 3 submitters: Likely benign (2). 1 of the submissions does not count toward it. Last evaluated 2026-06-01.

Conditions:
TTLL5-related disorder. Also called: TTLL5-related condition.

Allele frequency attached by ClinVar (database versions not stated): ExAC 0.00006.
gnomAD v4.1: 54 of 1,613,506 alleles (0.0033%); highest among the groups gnomAD compares: Admixed American, 0.013%; 1 homozygote.

Submissions (3):

CeGaT Center for Human Genetics Tuebingen
Classification: Likely benign. Last evaluated: 2026-06-01. Review status: criteria provided, single submitter. Criteria: CeGaT Center For Human Genetics Tuebingen Variant Classification Criteria Version 2. Collection method: clinical testing. Allele origin: germline. Affected: yes. Observed: 1 variant allele.
Comment: TTLL5: BP4, BP7

Labcorp Genetics (formerly Invitae), Labcorp
Classification: Likely benign. Last evaluated: 2026-01-12. Review status: criteria provided, single submitter. Criteria: Invitae Variant Classification Sherloc (09022015). Collection method: clinical testing. Allele origin: germline.

PreventionGenetics, part of Exact Sciences
Classification: Likely benign for TTLL5-related condition. Last evaluated: 2019-09-23. Review status: no assertion criteria provided. Collection method: clinical testing. Allele origin: germline. Not counted in ClinVar's aggregate classification.
Comment: This variant is classified as likely benign based on ACMG/AMP sequence variant interpretation guidelines (Richards et al. 2015 PMID: 25741868, with internal and published modifications).